The following is an entry in ClinVar:

ClinVar aggregate classification (germline): Uncertain significance (0 of 4 stars; one submission).

Conditions:
Fanconi anemia complementation group A (FANCA). Also called: Fanconi anemia, group A; FANCA-Related Fanconi Anemia. Identifiers: Orphanet 84, MedGen C3469521, MONDO:0009215, OMIM 227650.

Submission:

Leiden Open Variation Database
Classification: Uncertain significance for Fanconi anemia complementation group A. Last evaluated: 2020-02-28. Review status: no assertion criteria provided. Collection method: curation. Allele origin: germline. Affected: yes.
Comment: Curator: Arleen D. Auerbach. Submitter to LOVD: Arleen D. Auerbach.

Literature cited by the submitters: PubMed 08896564.

NC_000016.10:g.(89799639_89803258)_(89805393_89808293)del

Gene: FANCA (FA complementation group A; minus strand). Cytogenetic location: 16q24.3.
Variant type: Deletion.
Identifiers: ClinVar variation 974290 (VCV000974290.1).